The following is an entry in ClinVar:

NM_001048174.2(MUTYH):c.416T>C (p.Leu139Pro)

Gene: MUTYH (mutY DNA glycosylase; minus strand). Cytogenetic location: 1p34.1.
Variant type: single nucleotide variant.
Coding change: c.416T>C on transcript NM_001048174.2 (MANE Select); coding-DNA position 416, T replaced by C.
Protein change: p.Leu139Pro; replaces leucine 139 with proline.
Molecular consequence: missense variant. On other transcripts: non-coding transcript variant (6), intron variant (4).
Genome position (GRCh38, 1-based): chr1:45,332,922, A>G on the plus strand (T>C on the coding strand, the complement: MUTYH is on the minus strand). VCF-style: chr1-45332922-A-G. GRCh37 (hg19) VCF-style: chr1-45798594-A-G.
Other names: c.416T>C, p.Leu139Pro (NM_001048171.2, NM_001048173.2, NM_001293195.2 and 5 more transcripts); c.419T>C, p.Leu140Pro (NM_001048172.2, NM_001407086.1, NM_001407071.1 and 1 more transcripts); c.500T>C, p.Leu167Pro (NM_001128425.2); c.461T>C, p.Leu154Pro (NM_001293190.2); c.449T>C, p.Leu150Pro (NM_001293191.2, NM_001407077.1); c.140T>C, p.Leu47Pro (NM_001293192.2, NM_001293196.2, NM_001407091.1); c.458T>C, p.Leu153Pro (NM_001407083.1, NM_001407085.1); c.437T>C, p.Leu146Pro (NM_001407087.1); and 7 more; short protein forms L140P, L146P, L153P, L139P, L111P, L150P, L154P, L164P.
Identifiers: ClinVar variation 4113703 (VCV004113703.1).

ClinVar aggregate classification (germline): Uncertain significance (1 of 4 stars; one submission).

Conditions:
Hereditary cancer-predisposing syndrome. Also called: Hereditary neoplastic syndrome; Neoplastic Syndromes, Hereditary; Tumor predisposition; Hereditary Cancer Syndrome. Identifiers: Orphanet 140162, MedGen C0027672, MeSH D009386, MONDO:0015356.

Submission:

Ambry Genetics
Classification: Uncertain significance for Hereditary cancer-predisposing syndrome. Last evaluated: 2025-08-27. Review status: criteria provided, single submitter. Criteria: Ambry Variant Classification Scheme 2023. Collection method: clinical testing. Allele origin: germline.
Comment: The p.L167P variant (also known as c.500T>C), located in coding exon 6 of the MUTYH gene, results from a T to C substitution at nucleotide position 500. The leucine at codon 167 is replaced by proline, an amino acid with similar properties. This amino acid position is conserved. In addition, the in silico prediction for this alteration is inconclusive. Based on the available evidence, the clinical significance of this variant remains unclear.